The following is an entry in ClinVar:

NC_000007.13:g.(?_34125348)_(34192885_?)del

Gene: BMPER (BMP binding endothelial regulator; plus strand). Cytogenetic location: 7p14.3.
Variant type: Deletion.
Identifiers: ClinVar variation 1412692 (VCV001412692.4).

ClinVar aggregate classification (germline): Uncertain significance (1 of 4 stars; one submission).

Submission:

Labcorp Genetics (formerly Invitae), Labcorp
Classification: Uncertain significance. Last evaluated: 2021-10-13. Review status: criteria provided, single submitter. Criteria: Invitae Variant Classification Sherloc (09022015). Collection method: clinical testing. Allele origin: germline.
Comment: In summary, the available evidence is currently insufficient to determine the role of this variant in disease. Therefore, it has been classified as a Variant of Uncertain Significance. Experimental studies and prediction algorithms are not available or were not evaluated, and the functional significance of this variant is currently unknown. This variant has not been reported in the literature in individuals affected with BMPER-related conditions. This variant is a gross deletion of the genomic region encompassing exon(s) 14-16 of the BMPER gene, which includes the termination codon. This deletion extends beyond the assayed region for this gene and therefore may encompass additional genes. While this deletion is not anticipated to lead to nonsense mediated decay, it is expected to alter mRNA translation or result in a truncated protein product.